The following is an entry in ClinVar:

ClinVar aggregate classification (germline): Uncertain significance. Review status: criteria provided, multiple submitters, no conflicts (2 of 4 stars). 2 submissions from 2 submitters: Uncertain significance (2). Last evaluated 2024-11-27.

Allele frequency attached by ClinVar (database versions not stated): ESP Exome Variant Server 0.00015.
gnomAD v4.1: 52 of 1,613,914 alleles (0.0032%); highest among the groups gnomAD compares: African/African-American, 0.055%; no homozygotes.

Submissions (2):

Labcorp Genetics (formerly Invitae), Labcorp
Classification: Uncertain significance. Last evaluated: 2024-11-27. Review status: criteria provided, single submitter. Criteria: Invitae Variant Classification Sherloc (09022015). Collection method: clinical testing. Allele origin: germline.
Comment: This sequence change replaces valine, which is neutral and non-polar, with leucine, which is neutral and non-polar, at codon 397 of the IL12RB2 protein (p.Val397Leu). This variant is present in population databases (rs373428243, gnomAD 0.05%). This variant has not been reported in the literature in individuals affected with IL12RB2-related conditions. ClinVar contains an entry for this variant (Variation ID: 1444014). An algorithm developed to predict the effect of missense changes on protein structure and function (PolyPhen-2) suggests that this variant is likely to be disruptive. In summary, the available evidence is currently insufficient to determine the role of this variant in disease. Therefore, it has been classified as a Variant of Uncertain Significance.

Ambry Genetics
Classification: Uncertain significance. Last evaluated: 2021-10-26. Review status: criteria provided, single submitter. Criteria: Ambry Variant Classification Scheme 2023. Collection method: clinical testing. Allele origin: germline.

NM_001374259.2(IL12RB2):c.1189G>C (p.Val397Leu)

Gene: IL12RB2 (interleukin 12 receptor subunit beta 2; plus strand). Cytogenetic location: 1p31.3.
Variant type: single nucleotide variant.
Coding change: c.1189G>C on transcript NM_001374259.2 (MANE Select); coding-DNA position 1189, G replaced by C.
Protein change: p.Val397Leu; replaces valine 397 with leucine.
Molecular consequence: missense variant. On other transcripts: non-coding transcript variant (2).
Genome position (GRCh38, 1-based): chr1:67,351,020, G>C. VCF-style: chr1-67351020-G-C. GRCh37 (hg19) VCF-style: chr1-67816703-G-C.
Other names: c.1189G>C, p.Val397Leu (NM_001258214.1, NM_001258215.1, NM_001258216.1 and 2 more transcripts); c.1189G>C (NM_001559.2); short protein forms V397L.
Identifiers: ClinVar variation 1444014 (VCV001444014.9), dbSNP rs373428243, ClinGen allele CA900425.
Genomic context (GRCh38, chr1:67,351,020, plus strand): 5'-ATCACAGGACACACCTCCTGGACCACAGTCATTCCTAGAACCGGAAATTGGGCTGTGGCT[G>C]TGTCTGCAGCAAATTCAAAAGGCAGTTCTCTGCCCACTCGTATTAACATAATGAACCTGT-3'
Protein context (NP_001361188.1, residues 387-407): IPRTGNWAVA[Val397Leu]SAANSKGSSL